The following is an entry in ClinVar:

NM_018129.4(PNPO):c.727T>C (p.Leu243=)

Gene: PNPO (pyridoxamine 5'-phosphate oxidase; plus strand). Cytogenetic location: 17q21.32.
Variant type: single nucleotide variant.
Coding change: c.727T>C on transcript NM_018129.4 (MANE Select); coding-DNA position 727, T replaced by C.
Protein change: p.Leu243=; no amino-acid change (leucine 243 retained).
Molecular consequence: synonymous variant.
Genome position (GRCh38, 1-based): chr17:47,946,723, T>C. VCF-style: chr17-47946723-T-C. GRCh37 (hg19) VCF-style: chr17-46024089-T-C.
Identifiers: ClinVar variation 386165 (VCV000386165.37), dbSNP rs773871270, ClinGen allele CA8629271.

ClinVar aggregate classification (germline): Likely benign. Review status: criteria provided, multiple submitters, no conflicts (2 of 4 stars). 5 submissions from 5 submitters: Likely benign (5). Last evaluated 2026-01-09.

Conditions:
Inborn genetic diseases. Identifiers: MedGen C0950123, MeSH D030342.
Pyridoxal phosphate-responsive seizures (PNPOD). Also called: Pyridoxamine 5-Prime-Phosphate Oxidase Deficiency; Pyridoxal 5'-Phosphate (PLP)-Dependent Epilepsy; SEIZURES, PYRIDOXINE-RESISTANT, PLP-SENSITIVE; EPILEPTIC ENCEPHALOPATHY, NEONATAL, PNPO-RELATED; Pyridoxine-5'-phosphate oxidase deficiency. Identifiers: Orphanet 79096, MedGen C1864723, MONDO:0012407, OMIM 610090. Disease mechanism: loss of function.

Allele frequency attached by ClinVar (database versions not stated): gnomAD 0.00003 and 0.00004; gnomAD exomes 0.00003 and 0.00006; TOPMed 0.00006; ExAC 0.00007.

Submissions (5):

Labcorp Genetics (formerly Invitae), Labcorp
Classification: Likely benign for Pyridoxal phosphate-responsive seizures. Last evaluated: 2026-01-09. Review status: criteria provided, single submitter. Criteria: Invitae Variant Classification Sherloc (09022015). Collection method: clinical testing. Allele origin: germline.

CeGaT Center for Human Genetics Tuebingen
Classification: Likely benign. Last evaluated: 2022-11-01. Review status: criteria provided, single submitter. Criteria: CeGaT Center For Human Genetics Tuebingen Variant Classification Criteria Version 2. Collection method: clinical testing. Allele origin: germline. Affected: yes. Observed: 1 variant allele.
Comment: PNPO: BP4, BP7

Ambry Genetics
Classification: Likely benign for Inborn genetic diseases. Last evaluated: 2019-11-04. Review status: criteria provided, single submitter. Criteria: Ambry Variant Classification Scheme 2023. Collection method: clinical testing. Allele origin: germline.

GeneDx
Classification: Likely benign. Last evaluated: 2019-07-26. Review status: criteria provided, single submitter. Criteria: GeneDx Variant Classification Process June 2021. Collection method: clinical testing. Allele origin: germline. Affected: yes.

Athena Diagnostics
Classification: Likely benign. Last evaluated: 2018-12-14. Review status: criteria provided, single submitter. Criteria: Athena Diagnostics Criteria. Collection method: clinical testing. Allele origin: germline.